The following is an entry in ClinVar:

ClinVar aggregate classification (germline): Uncertain significance (1 of 4 stars; one submission).

Conditions:
Chuvash polycythemia. Also called: POLYCYTHEMIA, VHL-DEPENDENT. Identifiers: Orphanet 238557, MedGen C1837915, MONDO:0009892, OMIM 263400.
Von Hippel-Lindau syndrome (VHLS). Also called: VHL syndrome; von Hippel–Lindau syndrome; Von Hippel-Lindau. Identifiers: Orphanet 892, MedGen C0019562, MONDO:0008667, OMIM 193300. Disease mechanism: loss of function.

Submission:

Labcorp Genetics (formerly Invitae), Labcorp
Classification: Uncertain significance for Von Hippel-Lindau syndrome; Chuvash polycythemia. Last evaluated: 2025-10-01. Review status: criteria provided, single submitter. Criteria: Invitae Variant Classification Sherloc (09022015). Collection method: clinical testing. Allele origin: germline.
Comment: This sequence change falls in intron 1 of the VHL gene. It is not expected to change the encoded amino acid sequence of the VHL protein. However, this sequence change falls within a cryptic exon in the VHL gene, known as exon E1’, which is naturally expressed at low levels in several human tissues (PMID: 29891534). This variant is not present in population databases (gnomAD no frequency). This variant has not been reported in the literature in individuals affected with VHL-related conditions. ClinVar contains an entry for this variant (Variation ID: 856519). Experimental studies and prediction algorithms are not available or were not evaluated, and the functional significance of this variant is currently unknown. Algorithms developed to predict the effect of sequence changes on RNA splicing suggest that this variant is not likely to affect RNA splicing. In summary, the available evidence is currently insufficient to determine the role of this variant in disease. Therefore, it has been classified as a Variant of Uncertain Significance.

Literature cited by the submitters: PubMed 29891534.

NM_000551.4(VHL):c.340+797G>T

Genes: VHL (von Hippel-Lindau tumor suppressor; plus strand), LOC107303340 (3p25 von Hippel-Lindau tumor suppressor, E3 ubiquitin protein ligase Alu-mediated recombination region; plus strand). Cytogenetic location: 3p25.3.
Variant type: single nucleotide variant.
Coding change: c.340+797G>T on transcript NM_000551.4 (MANE Select); 797 bases into the intron after coding-DNA position 340, G replaced by T.
Molecular consequence: intron variant. On other transcripts: nonsense (1).
Genome position (GRCh38, 1-based): chr3:10,142,984, G>T. VCF-style: chr3-10142984-G-T. GRCh37 (hg19) VCF-style: chr3-10184668-G-T.
Other names: c.562G>T, p.Glu188Ter (NM_001354723.2); c.340+797G>T (NM_198156.3); short protein forms E188*.
Identifiers: ClinVar variation 856519 (VCV000856519.10), dbSNP rs1696164222, ClinGen allele CA916081419.